The following is an entry in ClinVar:

ClinVar aggregate classification (germline): Uncertain significance. Review status: criteria provided, multiple submitters, no conflicts (2 of 4 stars). 2 submissions from 2 submitters: Uncertain significance (2). Last evaluated 2024-01-03.

Conditions:
Inborn genetic diseases. Identifiers: MedGen C0950123, MeSH D030342.

Allele frequency attached by ClinVar (database versions not stated): gnomAD exomes 0.00001; gnomAD 0.00004; TOPMed 0.00004.
gnomAD v4.1: 27 of 1,550,286 alleles (0.0017%); highest among the groups gnomAD compares: East Asian, 0.0024%; no homozygotes.

Submissions (2):

Ambry Genetics
Classification: Uncertain significance for Inborn genetic diseases. Last evaluated: 2024-01-03. Review status: criteria provided, single submitter. Criteria: Ambry Variant Classification Scheme 2023. Collection method: clinical testing. Allele origin: germline.

Labcorp Genetics (formerly Invitae), Labcorp
Classification: Uncertain significance. Last evaluated: 2022-05-06. Review status: criteria provided, single submitter. Criteria: Invitae Variant Classification Sherloc (09022015). Collection method: clinical testing. Allele origin: germline.
Comment: This sequence change replaces aspartic acid, which is acidic and polar, with glycine, which is neutral and non-polar, at codon 1119 of the EYS protein (p.Asp1119Gly). This variant is present in population databases (no rsID available, gnomAD 0.008%). This variant has not been reported in the literature in individuals affected with EYS-related conditions. Algorithms developed to predict the effect of missense changes on protein structure and function output the following: SIFT: "Deleterious"; PolyPhen-2: "Benign"; Align-GVGD: "Class C15". The glycine amino acid residue is found in multiple mammalian species, which suggests that this missense change does not adversely affect protein function. Algorithms developed to predict the effect of sequence changes on RNA splicing suggest that this variant may create or strengthen a splice site. In summary, the available evidence is currently insufficient to determine the role of this variant in disease. Therefore, it has been classified as a Variant of Uncertain Significance.

NM_001142800.2(EYS):c.3356A>G (p.Asp1119Gly)

Gene: EYS (eyes shut homolog; minus strand). Cytogenetic location: 6q12.
Variant type: single nucleotide variant.
Coding change: c.3356A>G on transcript NM_001142800.2 (MANE Select); coding-DNA position 3356, A replaced by G.
Protein change: p.Asp1119Gly; replaces aspartic acid 1119 with glycine.
Molecular consequence: missense variant.
Genome position (GRCh38, 1-based): chr6:64,813,465, T>C on the plus strand (A>G on the coding strand, the complement: EYS is on the minus strand). VCF-style: chr6-64813465-T-C. GRCh37 (hg19) VCF-style: chr6-65523358-T-C.
Other names: c.3356A>G, p.Asp1119Gly (NM_001292009.2); c.3356A>G (NM_001142800.1); short protein forms D1119G.
Identifiers: ClinVar variation 2172276 (VCV002172276.2), dbSNP rs989439695, ClinGen allele CA140368133.